The following is an entry in ClinVar:

NM_000926.4(PGR):c.413G>A (p.Ser138Asn)

Gene: PGR (progesterone receptor; minus strand). Cytogenetic location: 11q22.1.
Variant type: single nucleotide variant.
Coding change: c.413G>A on transcript NM_000926.4 (MANE Select); coding-DNA position 413, G replaced by A.
Protein change: p.Ser138Asn; replaces serine 138 with asparagine.
Molecular consequence: missense variant. On other transcripts: 5 prime UTR variant (2), non-coding transcript variant (3), intron variant (1).
Genome position (GRCh38, 1-based): chr11:101,128,658, C>T on the plus strand (G>A on the coding strand, the complement: PGR is on the minus strand). VCF-style: chr11-101128658-C-T. GRCh37 (hg19) VCF-style: chr11-100999389-C-T.
Other names: c.-80G>A (NM_001202474.3, NM_001271161.2); c.-146+770G>A (NM_001271162.2); short protein forms S138N.
Identifiers: ClinVar variation 2386612 (VCV002386612.4), dbSNP rs755905259, ClinGen allele CA382485975.

ClinVar aggregate classification (germline): Uncertain significance (1 of 4 stars; one submission).

Allele frequency attached by ClinVar (database versions not stated): TOPMed 0.00004.

Submission:

Ambry Genetics
Classification: Uncertain significance. Last evaluated: 2026-07-01. Review status: criteria provided, single submitter. Criteria: Ambry Variant Classification Scheme 2023. Collection method: clinical testing. Allele origin: germline.
Comment: The p.S138N variant (also known as c.413G>A), located in coding exon 1 of the PGR gene, results from a G to A substitution at nucleotide position 413. The serine at codon 138 is replaced by asparagine, an amino acid with highly similar properties. This amino acid position is conserved. In addition, this alteration is predicted to be tolerated by in silico analysis. Based on the available evidence, the clinical significance of this variant remains unclear.